The following is an entry in ClinVar:

NM_005051.3(QARS1):c.1615-9T>C

Gene: QARS1 (glutaminyl-tRNA synthetase 1; minus strand). Cytogenetic location: 3p21.31.
Variant type: single nucleotide variant.
Coding change: c.1615-9T>C on transcript NM_005051.3 (MANE Select); 9 bases into the intron before coding-DNA position 1615, T replaced by C.
Molecular consequence: intron variant.
Genome position (GRCh38, 1-based): chr3:49,099,262, A>G on the plus strand (T>C on the coding strand, the complement: QARS1 is on the minus strand). VCF-style: chr3-49099262-A-G. GRCh37 (hg19) VCF-style: chr3-49136695-A-G.
Other names: c.1582-9T>C (NM_001272073.2).
Identifiers: ClinVar variation 477831 (VCV000477831.12), dbSNP rs199903047, ClinGen allele CA2391687.

ClinVar aggregate classification (germline): Likely benign. Review status: criteria provided, multiple submitters, no conflicts (2 of 4 stars). 4 submissions from 4 submitters: Likely benign (4). Last evaluated 2026-03-04.

Conditions:
Diffuse cerebral and cerebellar atrophy - intractable seizures - progressive microcephaly syndrome. Also called: Microcephaly, progressive, with seizures and cerebral and cerebellar atrophy. Identifiers: Orphanet 404437, MedGen C4014239, MONDO:0014335, OMIM 615760.

Allele frequency attached by ClinVar (database versions not stated): gnomAD exomes 0.00015 and 0.00027; 1000 Genomes Project 30x 0.00016; 1000 Genomes Project 0.00020; gnomAD 0.00029 and 0.00031; ExAC 0.00036; TOPMed 0.00043.
gnomAD v4.1: 276 of 1,614,158 alleles (0.017%); highest among the groups gnomAD compares: Admixed American, 0.15%; 1 homozygote.

Submissions (4):

Women's Health and Genetics/Laboratory Corporation of America, LabCorp
Classification: Likely benign. Last evaluated: 2026-03-04. Review status: criteria provided, single submitter. Criteria: LabCorp Variant Classification Summary - May 2015. Collection method: clinical testing. Allele origin: germline.
Comment: Variant summary: QARS1 c.1615-9T>C alters a nucleotide located at a position not widely known to affect splicing. Consensus agreement among computation tools predict no significant impact on normal splicing. However, these predictions have yet to be confirmed by functional studies. The variant allele was found at a frequency of 0.00026 in 282772 control chromosomes. This frequency is not significantly higher than estimated for disease-causing variants in QARS1, allowing no conclusion about variant significance. To our knowledge, no occurrence of c.1615-9T>C in individuals affected with QARS1-related conditions and no experimental evidence demonstrating its impact on protein function have been reported. ClinVar contains an entry for this variant (Variation ID: 477831). Based on the evidence outlined above, the variant was classified as likely benign.

Labcorp Genetics (formerly Invitae), Labcorp
Classification: Likely benign for Diffuse cerebral and cerebellar atrophy - intractable seizures - progressive microcephaly syndrome. Last evaluated: 2026-01-21. Review status: criteria provided, single submitter. Criteria: Invitae Variant Classification Sherloc (09022015). Collection method: clinical testing. Allele origin: germline.

Blueprint Genetics
Classification: Likely benign. Last evaluated: 2024-10-30. Review status: criteria provided, single submitter. Criteria: ACMG Guidelines, 2015. Collection method: clinical testing. Allele origin: germline.

GeneDx
Classification: Likely benign. Last evaluated: 2020-04-01. Review status: criteria provided, single submitter. Criteria: GeneDx Variant Classification Process June 2021. Collection method: clinical testing. Allele origin: germline. Affected: yes.